The following is an entry in ClinVar:

NM_170606.3(KMT2C):c.11006C>A (p.Pro3669His)

Gene: KMT2C (lysine methyltransferase 2C; minus strand). Cytogenetic location: 7q36.1.
Variant type: single nucleotide variant.
Coding change: c.11006C>A on transcript NM_170606.3 (MANE Select); coding-DNA position 11006, C replaced by A.
Protein change: p.Pro3669His; replaces proline 3669 with histidine.
Molecular consequence: missense variant.
Genome position (GRCh38, 1-based): chr7:152,162,571, G>T on the plus strand (C>A on the coding strand, the complement: KMT2C is on the minus strand). VCF-style: chr7-152162571-G-T. GRCh37 (hg19) VCF-style: chr7-151859656-G-T.
Other names: short protein forms P3669H.
Identifiers: ClinVar variation 1523543 (VCV001523543.6), dbSNP rs2092512373, ClinGen allele CA370101639.
Genomic context (GRCh38, chr7:152,162,571, plus strand): 5'-AAATCACTATTGGGCAGTTTGTTCTCTAATTCTGTACATAGCTGGCCTGCTGCCATATTG[G>T]GAGTGGATGGGCCGACTGGTTCCACCGACTCTTGGTCGGCTTGTTGAGGAAGCTCACTGG-3'
Protein context (NP_733751.2, residues 3659-3679): ESVEPVGPST[Pro3669His]NMAAGQLCTE

ClinVar aggregate classification (germline): Uncertain significance (1 of 4 stars; one submission).

gnomAD v4.1: 1 of 1,614,188 alleles (0.000062%); highest among the groups gnomAD compares: Non-Finnish European, 0.000085%; no homozygotes.

Submission:

Labcorp Genetics (formerly Invitae), Labcorp
Classification: Uncertain significance. Last evaluated: 2025-06-03. Review status: criteria provided, single submitter. Criteria: Invitae Variant Classification Sherloc (09022015). Collection method: clinical testing. Allele origin: germline.
Comment: This sequence change replaces proline, which is neutral and non-polar, with histidine, which is basic and polar, at codon 3669 of the KMT2C protein (p.Pro3669His). This variant is not present in population databases (gnomAD no frequency). This variant has not been reported in the literature in individuals affected with KMT2C-related conditions. ClinVar contains an entry for this variant (Variation ID: 1523543). Invitae Evidence Modeling of protein sequence and biophysical properties (such as structural, functional, and spatial information, amino acid conservation, physicochemical variation, residue mobility, and thermodynamic stability) indicates that this missense variant is expected to disrupt KMT2C protein function with a positive predictive value of 80%. In summary, the available evidence is currently insufficient to determine the role of this variant in disease. Therefore, it has been classified as a Variant of Uncertain Significance.